The following is an entry in ClinVar:

NM_012418.4(FSCN2):c.434G>A (p.Ser145Asn)

Gene: FSCN2 (fascin actin-bundling protein 2, retinal; plus strand). Cytogenetic location: 17q25.3.
Variant type: single nucleotide variant.
Coding change: c.434G>A on transcript NM_012418.4 (MANE Select); coding-DNA position 434, G replaced by A.
Protein change: p.Ser145Asn; replaces serine 145 with asparagine.
Molecular consequence: missense variant.
Genome position (GRCh38, 1-based): chr17:81,528,965, G>A. VCF-style: chr17-81528965-G-A. GRCh37 (hg19) VCF-style: chr17-79495991-G-A.
Other names: c.434G>A, p.Ser145Asn (NM_001077182.3); short protein forms S145N.
Identifiers: ClinVar variation 1362184 (VCV001362184.6), dbSNP rs1312481293, ClinGen allele CA401471028.

ClinVar aggregate classification (germline): Uncertain significance (1 of 4 stars; one submission).

Allele frequency attached by ClinVar (database versions not stated): TOPMed 0.00001.

Submission:

Labcorp Genetics (formerly Invitae), Labcorp
Classification: Uncertain significance. Last evaluated: 2021-11-30. Review status: criteria provided, single submitter. Criteria: Invitae Variant Classification Sherloc (09022015). Collection method: clinical testing. Allele origin: germline.
Comment: In summary, the available evidence is currently insufficient to determine the role of this variant in disease. Therefore, it has been classified as a Variant of Uncertain Significance. Algorithms developed to predict the effect of missense changes on protein structure and function are either unavailable or do not agree on the potential impact of this missense change (SIFT: "Deleterious"; PolyPhen-2: "Probably Damaging"; Align-GVGD: "Class C0"). This variant has not been reported in the literature in individuals affected with FSCN2-related conditions. This variant is not present in population databases (gnomAD no frequency). This sequence change replaces serine, which is neutral and polar, with asparagine, which is neutral and polar, at codon 145 of the FSCN2 protein (p.Ser145Asn).